The following is an entry in ClinVar:

NM_001369387.1(GNAL):c.3G>A (p.Met1Ile)

Gene: GNAL (G protein subunit alpha L; plus strand). Cytogenetic location: 18p11.21.
Variant type: single nucleotide variant.
Coding change: c.3G>A on transcript NM_001369387.1 (MANE Plus Clinical); coding-DNA position 3, G replaced by A.
Protein change: p.Met1Ile; changes the start codon (methionine 1).
Molecular consequence: missense variant, initiator codon variant. On other transcripts: intron variant (1).
Genome position (GRCh38, 1-based): chr18:11,752,436, G>A. VCF-style: chr18-11752436-G-A. GRCh37 (hg19) VCF-style: chr18-11752435-G-A.
Other names: c.3G>A, p.Met1Ile (NM_001142339.3, NM_001261443.2); c.377-417G>A (NM_182978.4); short protein forms M1I.
Identifiers: ClinVar variation 2736692 (VCV002736692.3), dbSNP rs2510259475, ClinGen allele CA401925509.

ClinVar aggregate classification (germline): Pathogenic (1 of 4 stars; one submission).

Conditions:
Dystonic disorder. Also called: Dystonia. Identifiers: MedGen C0013421, MONDO:0003441, HP:0001332.

Submission:

Labcorp Genetics (formerly Invitae), Labcorp
Classification: Pathogenic for Dystonic disorder. Last evaluated: 2022-12-15. Review status: criteria provided, single submitter. Criteria: Invitae Variant Classification Sherloc (09022015). Collection method: clinical testing. Allele origin: germline.
Comment: For these reasons, this variant has been classified as Pathogenic. This variant disrupts a region of the GNAL protein in which other variant(s) (p.Asp13Tyr) have been determined to be pathogenic (Invitae). This suggests that this is a clinically significant region of the protein, and that variants that disrupt it are likely to be disease-causing. Disruption of the initiator codon has been observed in individual(s) with cervical dystonia (PMID: 23449625). This variant is not present in population databases (gnomAD no frequency). This sequence change affects the initiator methionine of the GNAL mRNA. The next in-frame methionine is located at codon 62.

Literature cited by the submitters: PubMed 23449625.